The following is an entry in ClinVar:

ClinVar aggregate classification (germline): Likely pathogenic (1 of 4 stars; one submission).

Submission:

CeGaT Center for Human Genetics Tuebingen
Classification: Likely pathogenic. Last evaluated: 2024-08-01. Review status: criteria provided, single submitter. Criteria: CeGaT Center For Human Genetics Tuebingen Variant Classification Criteria Version 2. Collection method: clinical testing. Allele origin: germline. Affected: yes. Observed: 1 variant allele.
Comment: TTN: PVS1:Strong, PM2

NM_001267550.2(TTN):c.63132del (p.Ile21044fs)

Genes: TTN (titin; minus strand), TTN-AS1 (TTN antisense RNA 1; plus strand). Cytogenetic location: 2q31.2.
Variant type: Deletion.
Coding change: c.63132del on transcript NM_001267550.2 (MANE Select); coding-DNA position 63132, one base deleted (T; older notation c.63132delT).
Protein change: p.Ile21044fs; shifts the reading frame from isoleucine 21044.
Molecular consequence: frameshift variant.
Genome position (GRCh38, 1-based): chr2:178,588,593, A deleted on the plus strand (T on the coding strand, the reverse complement: TTN is on the minus strand); the first of 2 consecutive A bases (chr2:178,588,593-178,588,594); deleting either gives the same sequence. VCF-style (leftmost placement, unchanged base first): chr2-178588592-CA-C. GRCh37 (hg19) VCF-style: chr2-179453319-CA-C.
Other names: c.58209del, p.Ile19403fs (NM_001256850.1); c.35937del, p.Ile11979fs (NM_003319.4); c.55428del, p.Ile18476fs (NM_133378.4); c.36312del, p.Ile12104fs (NM_133432.3); c.36513del, p.Ile12171fs (NM_133437.4); short protein forms I11979fs, I12104fs, I12171fs, I18476fs, I19403fs, I21044fs.
Identifiers: ClinVar variation 3342213 (VCV003342213.16).
Genomic context (GRCh38, chr2:178,588,592, plus strand): 5'-TCCTACCTATGGGGTCTTTTGCCACCACCGGTCTTGAAGGCAAGCTTGGTTCTCCAATTC[CA>C]ATTTCATTTTCTGCCTTGACACGGAACTGATATTCATGGTCTGGGAGGAGATTCTGTACT-3'